The following is an entry in ClinVar:

NM_020297.4(ABCC9):c.1912-76A>C

Gene: ABCC9 (ATP binding cassette subfamily C member 9; minus strand). Cytogenetic location: 12p12.1.
Variant type: single nucleotide variant.
Coding change: c.1912-76A>C on transcript NM_020297.4 (MANE Select); 76 bases into the intron before coding-DNA position 1912, A replaced by C.
Molecular consequence: intron variant.
Genome position (GRCh38, 1-based): chr12:21,882,949, T>G on the plus strand (A>C on the coding strand, the complement: ABCC9 is on the minus strand). VCF-style: chr12-21882949-T-G. GRCh37 (hg19) VCF-style: chr12-22035883-T-G.
Other names: c.1048-76A>C (NM_001377274.1); c.1912-76A>C (NM_005691.4, NM_001377273.1).
Identifiers: ClinVar variation 1166418 (VCV001166418.10), dbSNP rs1283802, ClinGen allele CA233620530.

ClinVar aggregate classification (germline): Benign. Review status: criteria provided, multiple submitters, no conflicts (2 of 4 stars). 3 submissions from 3 submitters: Benign (3). Last evaluated 2026-01-15.

Conditions:
Dilated cardiomyopathy 1O (CMD1O). Also called: CARDIOMYOPATHY, DILATED, WITH VENTRICULAR TACHYCARDIA. Identifiers: Orphanet 154, MedGen C1837839, MONDO:0012062, OMIM 608569.

Allele frequency attached by ClinVar (database versions not stated): gnomAD exomes 0.24030; gnomAD 0.33656 and 0.33920; TOPMed 0.36081; 1000 Genomes Project 0.42192; 1000 Genomes Project 30x 0.42567.
gnomAD v4.1: 272,830 of 1,071,212 alleles (25%); highest among the groups gnomAD compares: African/African-American, 62%; 41,747 homozygotes.

Submissions (3):

Labcorp Genetics (formerly Invitae), Labcorp
Classification: Benign for Dilated cardiomyopathy 1O. Last evaluated: 2026-01-15. Review status: criteria provided, single submitter. Criteria: Invitae Variant Classification Sherloc (09022015). Collection method: clinical testing. Allele origin: germline.

GeneDx
Classification: Benign. Last evaluated: 2018-06-26. Review status: criteria provided, single submitter. Criteria: GeneDx Variant Classification Process June 2021. Collection method: clinical testing. Allele origin: germline. Affected: yes.
Comment: This variant is associated with the following publications: (PMID: 14551916)

Breakthrough Genomics
Classification: Benign. Review status: criteria provided, single submitter. Criteria: ACMG Guidelines, 2015. Collection method: not provided. Allele origin: germline. Inheritance: Autosomal recessive inheritance. Affected: yes.